The following is an entry in ClinVar:

NM_001159699.2(FHL1):c.740T>C (p.Phe247Ser)

Gene: FHL1 (four and a half LIM domains 1; plus strand). Cytogenetic location: Xq26.3.
Variant type: single nucleotide variant.
Coding change: c.740T>C on transcript NM_001159699.2 (MANE Select); coding-DNA position 740, T replaced by C.
Protein change: p.Phe247Ser; replaces phenylalanine 247 with serine.
Molecular consequence: missense variant. On other transcripts: synonymous variant (6), non-coding transcript variant (1).
Genome position (GRCh38, 1-based): chrX:136,209,874, T>C. VCF-style: chrX-136209874-T-C. GRCh37 (hg19) VCF-style: chrX-135292033-T-C.
Other names: c.692T>C, p.Phe231Ser (NM_001159700.2, NM_001159704.1, NM_001167819.1 and 4 more transcripts); c.779T>C, p.Phe260Ser (NM_001159701.2); c.892T>C, p.Leu298= (NM_001159702.3, NM_001369326.1, NM_001369327.2 and 1 more transcripts); c.505T>C, p.Leu169= (NM_001159703.2); c.553T>C, p.Leu185= (NM_001330659.2); c.692T>C (NM_001449.4); short protein forms F231S, F247S, F260S.
Identifiers: ClinVar variation 2441434 (VCV002441434.5), dbSNP rs2521334539, ClinGen allele CA414609580.

ClinVar aggregate classification (germline): Uncertain significance. Review status: criteria provided, multiple submitters, no conflicts (2 of 4 stars). 3 submissions from 3 submitters: Uncertain significance (3). Last evaluated 2024-10-27.

Conditions:
Cardiovascular phenotype. Identifiers: MedGen CN230736.
X-linked myopathy with postural muscle atrophy. Also called: FHL1-Related Emery-Dreifuss Muscular Dystrophy, X-Linked. Identifiers: Orphanet 178461, MedGen C2678055, MONDO:0010401, OMIM 300696.

Submissions (3):

Ambry Genetics
Classification: Uncertain significance for Cardiovascular phenotype. Last evaluated: 2024-10-27. Review status: criteria provided, single submitter. Criteria: Ambry Variant Classification Scheme 2023. Collection method: clinical testing. Allele origin: germline.
Comment: The p.F231S variant (also known as c.692T>C), located in coding exon 5 of the FHL1 gene, results from a T to C substitution at nucleotide position 692. The phenylalanine at codon 231 is replaced by serine, an amino acid with highly dissimilar properties. This amino acid position is conserved. In addition, the in silico prediction for this alteration is inconclusive. Based on the available evidence, the clinical significance of this variant remains unclear.

Labcorp Genetics (formerly Invitae), Labcorp
Classification: Uncertain significance for X-linked myopathy with postural muscle atrophy. Last evaluated: 2023-08-04. Review status: criteria provided, single submitter. Criteria: Invitae Variant Classification Sherloc (09022015). Collection method: clinical testing. Allele origin: germline.
Comment: In summary, the available evidence is currently insufficient to determine the role of this variant in disease. Therefore, it has been classified as a Variant of Uncertain Significance. An algorithm developed to predict the effect of missense changes on protein structure and function (PolyPhen-2) suggests that this variant is likely to be disruptive. ClinVar contains an entry for this variant (Variation ID: 2441434). This variant has not been reported in the literature in individuals affected with FHL1-related conditions. This variant is not present in population databases (gnomAD no frequency). This sequence change replaces phenylalanine, which is neutral and non-polar, with serine, which is neutral and polar, at codon 231 of the FHL1 protein (p.Phe231Ser).

Revvity Omics, Revvity
Classification: Uncertain significance. Last evaluated: 2021-05-17. Review status: criteria provided, single submitter. Criteria: ACMG Guidelines, 2015. Collection method: clinical testing. Allele origin: germline.